The following is an entry in ClinVar:

NM_000396.4(CTSK):c.710G>A (p.Arg237Lys)

Gene: CTSK (cathepsin K; minus strand). Cytogenetic location: 1q21.3.
Variant type: single nucleotide variant.
Coding change: c.710G>A on transcript NM_000396.4 (MANE Select); coding-DNA position 710, G replaced by A.
Protein change: p.Arg237Lys; replaces arginine 237 with lysine.
Molecular consequence: missense variant.
Genome position (GRCh38, 1-based): chr1:150,799,618, C>T on the plus strand (G>A on the coding strand, the complement: CTSK is on the minus strand). VCF-style: chr1-150799618-C-T. GRCh37 (hg19) VCF-style: chr1-150772094-C-T.
Other names: short protein forms R237K.
Identifiers: ClinVar variation 2064246 (VCV002064246.1), dbSNP rs377253544, ClinGen allele CA1080451.

ClinVar aggregate classification (germline): Uncertain significance (1 of 4 stars; one submission).

Allele frequency attached by ClinVar (database versions not stated): gnomAD 0.00001; TOPMed 0.00002; ExAC 0.00003; ESP Exome Variant Server 0.00008.
gnomAD v4.1: 19 of 1,614,206 alleles (0.0012%); highest among the groups gnomAD compares: Admixed American, 0.018%; no homozygotes.

Submission:

Labcorp Genetics (formerly Invitae), Labcorp
Classification: Uncertain significance. Last evaluated: 2022-02-08. Review status: criteria provided, single submitter. Criteria: Invitae Variant Classification Sherloc (09022015). Collection method: clinical testing. Allele origin: germline.
Comment: This sequence change replaces arginine, which is basic and polar, with lysine, which is basic and polar, at codon 237 of the CTSK protein (p.Arg237Lys). This variant is present in population databases (rs377253544, gnomAD 0.02%). This variant has not been reported in the literature in individuals affected with CTSK-related conditions. Advanced modeling of protein sequence and biophysical properties (such as structural, functional, and spatial information, amino acid conservation, physicochemical variation, residue mobility, and thermodynamic stability) performed at Invitae indicates that this missense variant is not expected to disrupt CTSK protein function. In summary, the available evidence is currently insufficient to determine the role of this variant in disease. Therefore, it has been classified as a Variant of Uncertain Significance.